The following is an entry in ClinVar:

NM_006231.4(POLE):c.4103dup (p.Asn1369fs)

Gene: POLE (DNA polymerase epsilon, catalytic subunit; minus strand). Cytogenetic location: 12q24.33.
Variant type: Duplication.
Coding change: c.4103dup on transcript NM_006231.4 (MANE Select); coding-DNA position 4103, one base duplicated (T; older notation c.4103dupT).
Protein change: p.Asn1369fs; shifts the reading frame from asparagine 1369.
Molecular consequence: frameshift variant.
Genome position (GRCh38, 1-based): chr12:132,648,975, A duplicated on the plus strand (T on the coding strand, the reverse complement: POLE is on the minus strand). VCF-style (leftmost placement, unchanged base first): chr12-132648974-C-CA. GRCh37 (hg19) VCF-style: chr12-133225560-C-CA.
Other names: c.4103dupT (NM_006231.2); short protein forms N1369fs.
Identifiers: ClinVar variation 1400102 (VCV001400102.9), dbSNP rs2138597281, ClinGen allele CA2573148081.

ClinVar aggregate classification (germline): Conflicting classifications of pathogenicity. Review status: criteria provided, conflicting classifications (1 of 4 stars). 2 submissions from 2 submitters: Pathogenic (1); Uncertain significance (1). Last evaluated 2026-08-31.

Conditions:
Hereditary cancer-predisposing syndrome. Also called: Hereditary Cancer Syndrome; Neoplastic Syndromes, Hereditary; Hereditary neoplastic syndrome; Tumor predisposition. Identifiers: Orphanet 140162, MedGen C0027672, MeSH D009386, MONDO:0015356.

Allele frequency attached by ClinVar (database versions not stated): gnomAD exomes 0.00001.

Submissions (2):

Ambry Genetics
Classification: Uncertain significance for Hereditary cancer-predisposing syndrome. Last evaluated: 2026-08-31. Review status: criteria provided, single submitter. Criteria: Ambry Variant Classification Scheme 2023. Collection method: clinical testing. Allele origin: germline.
Comment: The c.4103dupT variant, located in coding exon 32 of the POLE gene, results from a duplication of T at nucleotide position 4103, causing a translational frameshift with a predicted alternate stop codon (p.N1369Efs*6). This alteration is expected to result in loss of function by premature protein truncation or nonsense-mediated mRNA decay. Although biallelic loss of function of POLE has been associated with autosomal recessive POLE deficiency, haploinsufficiency of POLE has not been established as a mechanism of disease for POLE-related polymerase proofreading-associated polyposis (PPAP) and POLE-related CMMRD-like syndrome. Based on the supporting evidence, this variant is expected to be causative of POLE deficiency when present along with a second pathogenic variant on the other allele; however, its clinical significance for PPAP and POLE-related CMMRD-like syndrome is unclear.

Labcorp Genetics (formerly Invitae), Labcorp
Classification: Pathogenic. Last evaluated: 2023-07-06. Review status: criteria provided, single submitter. Criteria: Invitae Variant Classification Sherloc (09022015). Collection method: clinical testing. Allele origin: germline.
Comment: This sequence change creates a premature translational stop signal (p.Asn1369Glufs*6) in the POLE gene. It is expected to result in an absent or disrupted protein product. Loss-of-function variants in POLE are known to be pathogenic (PMID: 23230001, 25948378, 30503519). This variant is not present in population databases (gnomAD no frequency). This variant has not been reported in the literature in individuals affected with POLE-related conditions. ClinVar contains an entry for this variant (Variation ID: 1400102). For these reasons, this variant has been classified as Pathogenic.

Literature cited by the submitters: PubMed 23230001 (cited by Labcorp Genetics (formerly Invitae), Labcorp); PubMed 25948378 (cited by Labcorp Genetics (formerly Invitae), Labcorp); PubMed 30503519 (cited by Labcorp Genetics (formerly Invitae), Labcorp).